The following is an entry in ClinVar:

NM_005448.2(BMP15):c.1076C>T (p.Pro359Leu)

Gene: BMP15 (bone morphogenetic protein 15; plus strand). Cytogenetic location: Xp11.22.
Variant type: single nucleotide variant.
Coding change: c.1076C>T on transcript NM_005448.2 (MANE Select); coding-DNA position 1076, C replaced by T.
Protein change: p.Pro359Leu; replaces proline 359 with leucine.
Molecular consequence: missense variant.
Genome position (GRCh38, 1-based): chrX:50,916,504, C>T. VCF-style: chrX-50916504-C-T. GRCh37 (hg19) VCF-style: chrX-50659504-C-T.
Other names: short protein forms P359L.
Identifiers: ClinVar variation 4795458 (VCV004795458.1).

ClinVar aggregate classification (germline): Uncertain significance (1 of 4 stars; one submission).

gnomAD v4.1: 5 of 1,211,012 alleles (0.00041%); highest among the groups gnomAD compares: Non-Finnish European, 0.00056%; no homozygotes.

Submission:

GeneDx
Classification: Uncertain significance. Last evaluated: 2025-08-13. Review status: criteria provided, single submitter. Criteria: GeneDx Variant Classification Process June 2021. Collection method: clinical testing. Allele origin: germline. Affected: yes.
Comment: Published functional studies suggest impaired BMP15 function and reduced expression in vitro compared to wild-type, however, additional studies are required to confirm a damaging effect (PMID: 35861920); Not observed at significant frequency in large population cohorts (gnomAD); In silico analysis supports that this missense variant has a deleterious effect on protein structure/function; This variant is associated with the following publications: (PMID: 35781182, 35861920)